The following is an entry in ClinVar:

NM_020843.4(SCAPER):c.124+4T>C

Gene: SCAPER (S-phase cyclin A associated protein in the ER; minus strand). Cytogenetic location: 15q24.3.
Variant type: single nucleotide variant.
Coding change: c.124+4T>C on transcript NM_020843.4 (MANE Select); 4 bases into the intron after coding-DNA position 124, T replaced by C.
Molecular consequence: intron variant.
Genome position (GRCh38, 1-based): chr15:76,862,412, A>G on the plus strand (T>C on the coding strand, the complement: SCAPER is on the minus strand). VCF-style: chr15-76862412-A-G. GRCh37 (hg19) VCF-style: chr15-77154753-A-G.
Other names: c.-397+4T>C (NM_001353011.2); c.-279+4T>C (NM_001353012.2); c.124+4T>C (NM_001353009.2); c.-334+4T>C (NM_001353010.2).
Identifiers: ClinVar variation 4978344 (VCV004978344.1).

ClinVar aggregate classification (germline): Likely benign (1 of 4 stars; one submission).

Conditions:
SCAPER-related disorder. Also called: SCAPER-related condition.

Submission:

PreventionGenetics, part of Exact Sciences
Classification: Likely benign for SCAPER-related condition. Last evaluated: 2025-09-11. Review status: criteria provided, single submitter. Criteria: ACMG Guidelines, 2015. Collection method: clinical testing. Allele origin: germline.
Comment: This variant is classified as likely benign based on ACMG/AMP sequence variant interpretation guidelines (Richards et al. 2015 PMID: 25741868, with internal and published modifications).